The following is an entry in ClinVar:

ClinVar aggregate classification (germline): Pathogenic/Likely pathogenic. Review status: criteria provided, multiple submitters, no conflicts (2 of 4 stars). 3 submissions from 3 submitters: Pathogenic (2); Likely pathogenic (1). Last evaluated 2020-03-13.

Conditions:
Marfan syndrome (MFS). Also called: FBN1-Related Marfan Syndrome; Marfan syndrome, classic; MARFAN SYNDROME, TYPE I; Marfan syndrome type 1; Marfan's syndrome. Identifiers: Orphanet 284963, Orphanet 558, MedGen C0024796, MONDO:0007947, OMIM 154700.
Familial thoracic aortic aneurysm and aortic dissection (TAAD). Also called: Thoracic aortic aneurysms and dissections. Identifiers: Orphanet 91387, MedGen C4707243, MONDO:0019625.

Submissions (3):

Ambry Genetics
Classification: Pathogenic for Familial thoracic aortic aneurysm and aortic dissection. Last evaluated: 2020-03-13. Review status: criteria provided, single submitter. Criteria: Ambry Variant Classification Scheme 2023. Collection method: clinical testing. Allele origin: germline.
Comment: The p.Q1813* pathogenic mutation (also known as c.5437C>T), located in coding exon 44 of the FBN1 gene, results from a C to T substitution at nucleotide position 5437. This changes the amino acid from a glutamine to a stop codon within coding exon 44. This alteration was reported in one patient from a cohort of subjects with Marfan syndrome, Loeys-Dietz syndrome and thoracic aortic aneurysm and dissection (TAAD), though clinical information was limited for this particular subject (Lerner-Ellis JP et al. Mol. Genet. Metab., 2014 Jun;112:171-6). In addition to the clinical data presented in the literature, this alteration is expected to result in loss of function by premature protein truncation or nonsense-mediated mRNA decay. As such, this alteration is interpreted as a disease-causing mutation.

Labcorp Genetics (formerly Invitae), Labcorp
Classification: Pathogenic for Marfan syndrome; Familial thoracic aortic aneurysm and aortic dissection. Last evaluated: 2019-06-14. Review status: criteria provided, single submitter. Criteria: Invitae Variant Classification Sherloc (09022015). Collection method: clinical testing. Allele origin: germline.
Comment: This sequence change creates a premature translational stop signal (p.Gln1813*) in the FBN1 gene. It is expected to result in an absent or disrupted protein product. This variant is not present in population databases (ExAC no frequency). This variant has been observed in an individual affected with Marfan syndrome (PMID: 24793577). ClinVar contains an entry for this variant (Variation ID: 42383). Loss-of-function variants in FBN1 are known to be pathogenic (PMID: 17657824, 19293843). For these reasons, this variant has been classified as Pathogenic.

Laboratory for Molecular Medicine, Mass General Brigham Personalized Medicine
Classification: Likely pathogenic for Marfan syndrome. Last evaluated: 2008-04-15. Review status: criteria provided, single submitter. Criteria: LMM Criteria. Collection method: clinical testing. Allele origin: germline. Observed: 2 variant alleles.

Literature cited by the submitters: PubMed 24793577 (cited by Ambry Genetics and Labcorp Genetics (formerly Invitae), Labcorp); PubMed 17657824 (cited by Labcorp Genetics (formerly Invitae), Labcorp); PubMed 19293843 (cited by Labcorp Genetics (formerly Invitae), Labcorp).

NM_000138.5(FBN1):c.5437C>T (p.Gln1813Ter)

Gene: FBN1 (fibrillin 1; minus strand). Cytogenetic location: 15q21.1.
Variant type: single nucleotide variant.
Coding change: c.5437C>T on transcript NM_000138.5 (MANE Select); coding-DNA position 5437, C replaced by T.
Protein change: p.Gln1813Ter; replaces glutamine 1813 with a stop codon.
Molecular consequence: nonsense.
Genome position (GRCh38, 1-based): chr15:48,452,670, G>A on the plus strand (C>T on the coding strand, the complement: FBN1 is on the minus strand). VCF-style: chr15-48452670-G-A. GRCh37 (hg19) VCF-style: chr15-48744867-G-A.
Other names: short protein forms Q1813*.
Identifiers: ClinVar variation 42383 (VCV000042383.15), dbSNP rs397515821, ClinGen allele CA015808.
Genomic context (GRCh38, chr15:48,452,670, plus strand): 5'-AGCGGTAGCTGCCTGCAGTGTTGATGCATTCGGCGTTGCGCTGGCACACTGGGCCGTTCT[G>A]ACACTCGTCAATATCTACGAGCAGAAGAGAACTGAATTTGAAGGAGAACAGAATCTGGTG-3'